The following is an entry in ClinVar:

ClinVar aggregate classification (germline): Uncertain significance (1 of 4 stars; one submission).

Conditions:
Inborn genetic diseases. Identifiers: MedGen C0950123, MeSH D030342.

gnomAD v4.1: 1 of 1,609,212 alleles (0.000062%); highest among the groups gnomAD compares: South Asian, 0.0011%; no homozygotes.

Submission:

Ambry Genetics
Classification: Uncertain significance for Inborn genetic diseases. Last evaluated: 2026-01-05. Review status: criteria provided, single submitter. Criteria: Ambry Variant Classification Scheme 2023. Collection method: clinical testing. Allele origin: germline.
Comment: The c.667G>A (p.D223N) alteration is located in exon 2 (coding exon 2) of the MATN3 gene. This alteration results from a G to A substitution at nucleotide position 667, causing the aspartic acid (D) at amino acid position 223 to be replaced by an asparagine (N). Based on data from gnomAD, the A allele has an overall frequency of <0.001% (1/238084) total alleles studied. The highest observed frequency was 0.003% (1/29356) of South Asian alleles. Based on insufficient or conflicting evidence, the clinical significance of this alteration remains unclear.

NM_002381.5(MATN3):c.667G>A (p.Asp223Asn)

Gene: MATN3 (matrilin 3; minus strand). Cytogenetic location: 2p24.1.
Variant type: single nucleotide variant.
Coding change: c.667G>A on transcript NM_002381.5 (MANE Select); coding-DNA position 667, G replaced by A.
Protein change: p.Asp223Asn; replaces aspartic acid 223 with asparagine.
Molecular consequence: missense variant.
Genome position (GRCh38, 1-based): chr2:20,005,867, C>T on the plus strand (G>A on the coding strand, the complement: MATN3 is on the minus strand). VCF-style: chr2-20005867-C-T. GRCh37 (hg19) VCF-style: chr2-20205628-C-T.
Other names: short protein forms D223N.
Identifiers: ClinVar variation 4839053 (VCV004839053.1).